The following is an entry in ClinVar:

NM_006074.5(TRIM22):c.1075G>A (p.Val359Ile)

Gene: TRIM22 (tripartite motif containing 22; plus strand). Cytogenetic location: 11p15.4.
Variant type: single nucleotide variant.
Coding change: c.1075G>A on transcript NM_006074.5 (MANE Select); coding-DNA position 1075, G replaced by A.
Protein change: p.Val359Ile; replaces valine 359 with isoleucine.
Molecular consequence: missense variant.
Genome position (GRCh38, 1-based): chr11:5,709,226, G>A. VCF-style: chr11-5709226-G-A. GRCh37 (hg19) VCF-style: chr11-5730456-G-A.
Other names: c.1063G>A, p.Val355Ile (NM_001199573.2); short protein forms V355I, V359I.
Identifiers: ClinVar variation 3035590 (VCV003035590.2), dbSNP rs200243523, ClinGen allele CA5846054.

ClinVar aggregate classification (germline): Likely benign (0 of 4 stars; one submission).

Conditions:
TRIM22-related disorder. Also called: TRIM22-related condition.

Allele frequency attached by ClinVar (database versions not stated): gnomAD exomes 0.00012; ExAC 0.00033; 1000 Genomes Project 0.00040; 1000 Genomes Project 30x 0.00062; TOPMed 0.00124; gnomAD 0.00139; ESP Exome Variant Server 0.00160.
gnomAD v4.1: 413 of 1,614,192 alleles (0.026%); highest among the groups gnomAD compares: African/African-American, 0.47%; no homozygotes.

Submission:

PreventionGenetics, part of Exact Sciences
Classification: Likely benign for TRIM22-related condition. Last evaluated: 2023-06-16. Review status: no assertion criteria provided. Collection method: clinical testing. Allele origin: germline.
Comment: This variant is classified as likely benign based on ACMG/AMP sequence variant interpretation guidelines (Richards et al. 2015 PMID: 25741868, with internal and published modifications).